The following is an entry in ClinVar:

NM_024675.4(PALB2):c.2016_2017insT (p.Glu673Ter)

Gene: PALB2 (partner and localizer of BRCA2; minus strand). Cytogenetic location: 16p12.2.
Variant type: Insertion.
Coding change: c.2016_2017insT on transcript NM_024675.4 (MANE Select); coding-DNA positions 2016 to 2017, T inserted.
Protein change: p.Glu673Ter; replaces glutamic acid 673 with a stop codon.
Molecular consequence: nonsense.
Genome position: GRCh38 VCF-style: chr16-23630137-C-CA. GRCh37 (hg19) VCF-style: chr16-23641458-C-CA.
Other names: short protein forms E673*.
Identifiers: ClinVar variation 918586 (VCV000918586.9), dbSNP rs1966861886, ClinGen allele CA1139664596.

ClinVar aggregate classification (germline): Pathogenic. Review status: criteria provided, multiple submitters, no conflicts (2 of 4 stars). 3 submissions from 3 submitters: Pathogenic (3). Last evaluated 2025-01-23.

Conditions:
Hereditary cancer-predisposing syndrome. Also called: Neoplastic Syndromes, Hereditary; Tumor predisposition; Hereditary Cancer Syndrome; Hereditary neoplastic syndrome. Identifiers: Orphanet 140162, MedGen C0027672, MeSH D009386, MONDO:0015356.
Familial cancer of breast. Also called: BREAST CANCER, FAMILIAL; Hereditary breast cancer; hereditary breast carcinoma. Identifiers: Orphanet 227535, MedGen C0346153, MONDO:0016419, OMIM 114480. Disease mechanism: loss of function.

Submissions (3):

Ambry Genetics
Classification: Pathogenic for Hereditary cancer-predisposing syndrome. Last evaluated: 2025-01-23. Review status: criteria provided, single submitter. Criteria: Ambry Variant Classification Scheme 2023. Collection method: clinical testing. Allele origin: germline.
Comment: The c.2016_2017insT pathogenic mutation, located in coding exon 5 of the PALB2 gene, results from an insertion of one nucleotide at position 2016, causing a translational frameshift with a predicted alternate stop codon (p.E673*). This variant is considered to be rare based on population cohorts in the Genome Aggregation Database (gnomAD). This alteration is expected to result in loss of function by premature protein truncation or nonsense-mediated mRNA decay. As such, this alteration is interpreted as a disease-causing mutation.

Myriad Genetics, Inc.
Classification: Pathogenic for Familial cancer of breast. Last evaluated: 2023-09-12. Review status: criteria provided, single submitter. Criteria: Myriad Autosomal Dominant, Autosomal Recessive and X-Linked Classification Criteria (2023). Collection method: clinical testing. Allele origin: unknown.
Comment: This variant is considered pathogenic. This variant creates a termination codon and is predicted to result in premature protein truncation.

Color Diagnostics, LLC DBA Color Health
Classification: Pathogenic for Hereditary cancer-predisposing syndrome. Last evaluated: 2022-05-31. Review status: criteria provided, single submitter. Criteria: ACMG Guidelines, 2015. Collection method: clinical testing. Allele origin: germline.
Comment: This variant inserts 1 nucleotide in exon 5 of the PALB2 gene, creating a frameshift and premature translation stop signal. This variant is expected to result in an absent or non-functional protein product. To our knowledge, functional studies have not been performed for this variant. This variant has not been reported in individuals affected with hereditary cancer in the literature. This variant has not been identified in the general population by the Genome Aggregation Database (gnomAD). Loss of PALB2 function is a known mechanism of disease. Based on the available evidence, this variant is classified as Pathogenic.